The following is an entry in ClinVar:

NM_001009944.3(PKD1):c.9611A>T (p.Asp3204Val)

Gene: PKD1 (polycystin 1, transient receptor potential channel interacting; minus strand). Cytogenetic location: 16p13.3.
Variant type: single nucleotide variant.
Coding change: c.9611A>T on transcript NM_001009944.3 (MANE Select); coding-DNA position 9611, A replaced by T.
Protein change: p.Asp3204Val; replaces aspartic acid 3204 with valine.
Molecular consequence: missense variant.
Genome position (GRCh38, 1-based): chr16:2,100,267, T>A on the plus strand (A>T on the coding strand, the complement: PKD1 is on the minus strand). VCF-style: chr16-2100267-T-A. GRCh37 (hg19) VCF-style: chr16-2150268-T-A.
Other names: c.9611A>T, p.Asp3204Val (NM_000296.4); short protein forms D3204V.
Identifiers: ClinVar variation 3254598 (VCV003254598.5), dbSNP rs1596513913.
Genomic context (GRCh38, chr16:2,100,267, plus strand): 5'-TCCGTCTCCACCGAAAGCCAGTCATTGACCAGGAAGAAGGCGCTGCGTGCCGTCTGCAGG[T>A]CCCTGACGATGACGTGCTGCAGGAACCAGGCAGGGCTGAGCCCTGCAGAGGCGCAGGAGG-3'
Protein context (NP_001009944.3, residues 3194-3214): AWFLQHVIVR[Asp3204Val]LQTARSAFFL

ClinVar aggregate classification (germline): Conflicting classifications of pathogenicity. Review status: criteria provided, conflicting classifications (1 of 4 stars). 3 submissions from 3 submitters: Likely pathogenic (1); Uncertain significance (2). Last evaluated 2025-09-03.

Conditions:
Polycystic kidney disease, adult type (PKD1). Also called: Polycystic Kidney Disease 1, Autosomal Dominant; Polycystic kidney disease 1; Polycystic kidney disease 1, severe; POLYCYSTIC KIDNEY DISEASE 1 WITH OR WITHOUT POLYCYSTIC LIVER DISEASE; POLYCYSTIC KIDNEY DISEASE, ADULT, TYPE I; Polycystic Kidney, Autosomal Dominant. Identifiers: MedGen C3149841, MONDO:0008263, OMIM 173900.

Submissions (3):

Women's Health and Genetics/Laboratory Corporation of America, LabCorp
Classification: Uncertain significance. Last evaluated: 2025-09-03. Review status: criteria provided, single submitter. Criteria: LabCorp Variant Classification Summary - May 2015. Collection method: clinical testing. Allele origin: germline.
Comment: Variant summary: PKD1 c.9611A>T (p.Asp3204Val) results in a non-conservative amino acid change in the encoded protein sequence. Algorithms developed to predict the effect of missense changes on protein structure and function all suggest that this variant is likely to be disruptive. The variant was absent in 248416 control chromosomes (gnomAD). The available data on variant occurrences in the general population are insufficient to allow any conclusion about variant significance. c.9611A>T has been observed in an individual affected with Polycystic Kidney Disease 1 (Xu_2018). These data do not allow any conclusion about variant significance. To our knowledge, no experimental evidence demonstrating an impact on protein function has been reported. The following publication has been ascertained in the context of this evaluation (PMID: 29529603). ClinVar contains an entry for this variant (Variation ID: 3254598). Based on the evidence outlined above, the variant was classified as uncertain significance.

Victorian Clinical Genetics Services, Murdoch Childrens Research Institute
Classification: Likely pathogenic for Polycystic kidney disease, adult type. Last evaluated: 2025-02-27. Review status: criteria provided, single submitter. Criteria: ACMG Guidelines, 2015. Collection method: clinical testing. Allele origin: germline. Affected: yes.
Comment: This variant is classified as Likely pathogenic. Evidence in support of pathogenic classification: Variant is absent from gnomAD (v2, v3 and v4); This variant has limited evidence for segregation with disease. This variant has been shown to segregate with disease in a family with polycystic kidney disease (VCGS internal data); Missense variant predicted to be damaging by in silico tool(s) or highly conserved with a major amino acid change. Additional information: Variant is predicted to result in a missense amino acid change from aspartic acid to valine; This variant is heterozygous; This gene is associated with autosomal dominant disease. Polycystic kidney disease 1 (MIM#173900) is predominantly caused by monoallelic variants, with rare reports of biallelic variants causing disease (OMIM); Previous evidence of pathogenicity for this variant is inconclusive. This variant has been classified as a VUS by a clinical laboratory in ClinVar, and identified in the literature in at least one affected member of a family with ADPKD (PMID: 29529603); No published functional evidence has been identified for this variant; Other missense variants comparable to the one identified in this case have inconclusive previous evidence for pathogenicity. p.(Asp3204Ala) has been classified as a VUS by a clinical laboratory in ClinVar and p.(Asp4204Gly) has been classified as a VUS in LOVD; Variant is located in the annotated PLAT/LH2 domain (DECIPHER); Loss of function is a known mechanism of disease in this gene and is associated with polycystic kidney disease 1 (MIM#173900).

Fulgent Genetics
Classification: Uncertain significance for Polycystic kidney disease, adult type. Last evaluated: 2024-05-31. Review status: criteria provided, single submitter. Criteria: ACMG Guidelines, 2015. Collection method: clinical testing. Allele origin: germline.

Literature cited by the submitters: PubMed 29529603 (cited by Women's Health and Genetics/Laboratory Corporation of America, LabCorp and Victorian Clinical Genetics Services, Murdoch Childrens Research Institute).